The following is an entry in ClinVar:

NM_006258.4(PRKG1):c.1777G>A (p.Glu593Lys)

Gene: PRKG1 (protein kinase cGMP-dependent 1; plus strand). Cytogenetic location: 10q21.1.
Variant type: single nucleotide variant.
Coding change: c.1777G>A on transcript NM_006258.4 (MANE Select); coding-DNA position 1777, G replaced by A.
Protein change: p.Glu593Lys; replaces glutamic acid 593 with lysine.
Molecular consequence: missense variant.
Genome position (GRCh38, 1-based): chr10:52,288,793, G>A. VCF-style: chr10-52288793-G-A. GRCh37 (hg19) VCF-style: chr10-54048553-G-A.
Other names: c.1732G>A, p.Glu578Lys (NM_001098512.3); c.568G>A, p.Glu190Lys (NM_001374781.1); short protein forms E190K, E578K, E593K.
Identifiers: ClinVar variation 3225518 (VCV003225518.1), dbSNP rs2492884721, ClinGen allele CA376536261.
Genomic context (GRCh38, chr10:52,288,793, plus strand): 5'-TTCTCAGGCCCAGATCCTATGAAAACCTATAACATCATATTGAGGGGGATTGACATGATA[G>A]AATTTCCAAAGAAGATTGCCAAAAATGCTGCTAATTTAATTAAAAAACTATGCAGGTAAG-3'
Protein context (NP_006249.1, residues 583-603): NIILRGIDMI[Glu593Lys]FPKKIAKNAA

ClinVar aggregate classification (germline): Uncertain significance (1 of 4 stars; one submission).

Conditions:
Familial thoracic aortic aneurysm and aortic dissection (TAAD). Also called: Thoracic aortic aneurysms and dissections. Identifiers: Orphanet 91387, MedGen C4707243, MONDO:0019625.

Allele frequency attached by ClinVar (database versions not stated): gnomAD exomes below 0.00001.
gnomAD v4.1: 4 of 1,607,692 alleles (0.00025%); highest among the groups gnomAD compares: Non-Finnish European, 0.00034%; no homozygotes.

Submission:

Ambry Genetics
Classification: Uncertain significance for Familial thoracic aortic aneurysm and aortic dissection. Last evaluated: 2024-02-03. Review status: criteria provided, single submitter. Criteria: Ambry Variant Classification Scheme 2023. Collection method: clinical testing. Allele origin: germline.
Comment: The p.E593K variant (also known as c.1777G>A), located in coding exon 15 of the PRKG1 gene, results from a G to A substitution at nucleotide position 1777. The glutamic acid at codon 593 is replaced by lysine, an amino acid with similar properties. This amino acid position is conserved. In addition, the in silico prediction for this alteration is inconclusive. Based on the available evidence, the clinical significance of this alteration remains unclear.